The following is an entry in ClinVar:

ClinVar aggregate classification (germline): Likely pathogenic (1 of 4 stars; one submission).

Conditions:
Ataxia-telangiectasia syndrome (AT). Also called: Cerebello-oculocutaneous telangiectasia; Immunodeficiency with ataxia telangiectasia; Ataxia-telangiectasia; AT, COMPLEMENTATION GROUP C; Ataxia telangiectasia (A-T); LOUIS-BAR SYNDROME. Identifiers: Orphanet 100, MedGen C0004135, MONDO:0008840, OMIM 208900.

Submission:

Labcorp Genetics (formerly Invitae), Labcorp
Classification: Likely pathogenic for Ataxia-telangiectasia syndrome. Last evaluated: 2022-11-22. Review status: criteria provided, single submitter. Criteria: Invitae Variant Classification Sherloc (09022015). Collection method: clinical testing. Allele origin: germline.
Comment: In summary, the currently available evidence indicates that the variant is pathogenic, but additional data are needed to prove that conclusively. Therefore, this variant has been classified as Likely Pathogenic. This variant has not been reported in the literature in individuals affected with ATM-related conditions. This variant results in the deletion of exon 6 and part of exon 7 (c.497-563_766delins29) of the ATM gene. It is expected to disrupt RNA splicing. Variants that disrupt the donor or acceptor splice site typically lead to a loss of protein function (PMID: 16199547), and loss-of-function variants in ATM are known to be pathogenic (PMID: 23807571, 25614872).

Literature cited by the submitters: PubMed 16199547; PubMed 23807571; PubMed 25614872.

NC_000011.9:g.(?_108114117)_(108115618_?)del

Gene: ATM (ATM serine/threonine kinase; plus strand). Cytogenetic location: 11q22.3.
Variant type: Deletion.
Identifiers: ClinVar variation 2422230 (VCV002422230.4).